The following is an entry in ClinVar:

NM_014585.6(SLC40A1):c.1112G>A (p.Arg371Gln)

Gene: SLC40A1 (solute carrier family 40 member 1; minus strand). Cytogenetic location: 2q32.2.
Variant type: single nucleotide variant.
Coding change: c.1112G>A on transcript NM_014585.6 (MANE Select); coding-DNA position 1112, G replaced by A.
Protein change: p.Arg371Gln; replaces arginine 371 with glutamine.
Molecular consequence: missense variant.
Genome position (GRCh38, 1-based): chr2:189,563,874, C>T on the plus strand (G>A on the coding strand, the complement: SLC40A1 is on the minus strand). VCF-style: chr2-189563874-C-T. GRCh37 (hg19) VCF-style: chr2-190428600-C-T.
Other names: short protein forms R371Q.
Identifiers: ClinVar variation 56154 (VCV000056154.7), dbSNP rs387907378, ClinGen allele CA215954.
Genomic context (GRCh38, chr2:189,563,874, plus strand): 5'-ACAGAGATCACACACAAGATCAAACAGGAAAGCTGTGCCAATCCTGAGATCAGACCTGTC[C>T]GAACCAAACCACATTTTCGACGTAGCCAAGTAAAAGCTACAGTTCCCATTATTCCAGTTA-3'
Protein context (NP_055400.1, residues 361-381): TWLRRKCGLV[Arg371Gln]TGLISGLAQL

ClinVar aggregate classification (germline): Uncertain significance. Review status: criteria provided, multiple submitters, no conflicts (2 of 4 stars). 4 submissions from 4 submitters: Uncertain significance (3). 1 of the submissions does not count toward it. Last evaluated 2026-01-02.

Conditions:
Hemochromatosis type 4 (HFE4). Also called: HEMOCHROMATOSIS DUE TO DEFECT IN FERROPORTIN; HEMOCHROMATOSIS, AUTOSOMAL DOMINANT; Ferroportin disease. Identifiers: Orphanet 139491, Orphanet 647834, Orphanet 648562, MedGen C1853733, MONDO:0011631, OMIM 606069.

Allele frequency attached by ClinVar (database versions not stated): TOPMed 0.00004; gnomAD 0.00002 and 0.00001; ExAC 0.00001; gnomAD exomes 0.00002 and 0.00005.

Submissions (4):

Labcorp Genetics (formerly Invitae), Labcorp
Classification: Uncertain significance for Hemochromatosis type 4. Last evaluated: 2026-01-02. Review status: criteria provided, single submitter. Criteria: Invitae Variant Classification Sherloc (09022015). Collection method: clinical testing. Allele origin: germline.
Comment: This sequence change replaces arginine, which is basic and polar, with glutamine, which is neutral and polar, at codon 371 of the SLC40A1 protein (p.Arg371Gln). This variant is present in population databases (rs387907378, gnomAD 0.003%). This missense change has been observed in individual(s) with hyperferritinemia (PMID: 21199650). ClinVar contains an entry for this variant (Variation ID: 56154). An algorithm developed to predict the effect of missense changes on protein structure and function outputs the following: PolyPhen-2: "Benign". The glutamine amino acid residue is found in multiple mammalian species, which suggests that this missense change does not adversely affect protein function. Experimental studies have shown that this missense change does not substantially affect SLC40A1 function (PMID: 23943237). In summary, the available evidence is currently insufficient to determine the role of this variant in disease. Therefore, it has been classified as a Variant of Uncertain Significance.

GeneDx
Classification: Uncertain significance. Last evaluated: 2016-01-13. Review status: criteria provided, single submitter. Criteria: GeneDx Variant Classification (06012015). Collection method: clinical testing. Allele origin: germline. Affected: yes.
Comment: The R371Q variant in the SLC40A1 gene has been reported previously in an individual with hemochromatosis type 4 (Le Lan et al., 2011). The R371Q variant was not observed in approximately 6,500 individuals of European and African American ancestry in the NHLBI Exome Sequencing Project, indicating it is not a common benign variant in these populations. Functional studies showed the R371Q variant protein did not provoke an export iron defect or hepcidin resistance, but showed a lower expression of the protein on the cell membrane (DÃ©tivaud et al., 2013). The R371Q variant is a semi-conservative amino acid substitution, which may impact secondary protein structure as these residues differ in some properties. This substitution occurs at a position that is not conserved. We interpret R371Q as a variant of uncertain significance.

Breakthrough Genomics
Classification: Uncertain significance. Review status: criteria provided, single submitter. Criteria: ACMG Guidelines, 2015. Collection method: not provided. Allele origin: germline. Inheritance: Autosomal dominant inheritance. Affected: yes.

Laboratoire de Génétique Moléculaire, CHU Pontchaillou
No classification provided. Review status: no classification provided. Collection method: not provided. Allele origin: germline. Not counted in ClinVar's aggregate classification.

Literature cited by the submitters: PubMed 21199650 (cited by Labcorp Genetics (formerly Invitae), Labcorp); PubMed 23943237 (cited by Labcorp Genetics (formerly Invitae), Labcorp).